The following is an entry in ClinVar:

NM_133497.4(KCNV2):c.224A>G (p.Asp75Gly)

Gene: KCNV2 (potassium voltage-gated channel modifier subfamily V member 2; plus strand). Cytogenetic location: 9p24.2.
Variant type: single nucleotide variant.
Coding change: c.224A>G on transcript NM_133497.4 (MANE Select); coding-DNA position 224, A replaced by G.
Protein change: p.Asp75Gly; replaces aspartic acid 75 with glycine.
Molecular consequence: missense variant.
Genome position (GRCh38, 1-based): chr9:2,717,963, A>G. VCF-style: chr9-2717963-A-G. GRCh37 (hg19) VCF-style: chr9-2717963-A-G.
Other names: short protein forms D75G.
Identifiers: ClinVar variation 1053311 (VCV001053311.9), dbSNP rs1819768105, ClinGen allele CA372796045.

ClinVar aggregate classification (germline): Uncertain significance (1 of 4 stars; one submission).

Allele frequency attached by ClinVar (database versions not stated): TOPMed below 0.00001; gnomAD 0.00001.

Submission:

Labcorp Genetics (formerly Invitae), Labcorp
Classification: Uncertain significance. Last evaluated: 2020-01-30. Review status: criteria provided, single submitter. Criteria: Invitae Variant Classification Sherloc (09022015). Collection method: clinical testing. Allele origin: germline.
Comment: In summary, the available evidence is currently insufficient to determine the role of this variant in disease. Therefore, it has been classified as a Variant of Uncertain Significance. Algorithms developed to predict the effect of missense changes on protein structure and function (SIFT, PolyPhen-2, Align-GVGD) all suggest that this variant is likely to be tolerated, but these predictions have not been confirmed by published functional studies and their clinical significance is uncertain. This variant has not been reported in the literature in individuals with KCNV2-related conditions. This variant is not present in population databases (ExAC no frequency). This sequence change replaces aspartic acid with glycine at codon 75 of the KCNV2 protein (p.Asp75Gly). The aspartic acid residue is weakly conserved and there is a moderate physicochemical difference between aspartic acid and glycine.